The following is an entry in ClinVar:

NM_000051.4(ATM):c.2203_2206dup (p.Ala736fs)

Gene: ATM (ATM serine/threonine kinase; plus strand). Cytogenetic location: 11q22.3.
Variant type: Duplication.
Coding change: c.2203_2206dup on transcript NM_000051.4 (MANE Select); coding-DNA positions 2203 to 2206, 4 bases duplicated (ATAG; older notation c.2203_2206dupATAG).
Protein change: p.Ala736fs; shifts the reading frame from alanine 736.
Molecular consequence: frameshift variant.
Genome position (GRCh38, 1-based): chr11:108,256,293-108,256,296, ATAG duplicated. VCF-style (leftmost placement, unchanged base first): chr11-108256292-A-AATAG. GRCh37 (hg19) VCF-style: chr11-108127019-A-AATAG.
Other names: c.2203_2206dup, p.Ala736fs (NM_001351834.2); c.2203_2206dupATAG (NM_000051.3); short protein forms A736fs.
Identifiers: ClinVar variation 4866273 (VCV004866273.1).

ClinVar aggregate classification (germline): Pathogenic (1 of 4 stars; one submission).

Conditions:
Hereditary cancer-predisposing syndrome. Also called: Neoplastic Syndromes, Hereditary; Tumor predisposition; Hereditary Cancer Syndrome; Hereditary neoplastic syndrome. Identifiers: Orphanet 140162, MedGen C0027672, MeSH D009386, MONDO:0015356.

Submission:

Ambry Genetics
Classification: Pathogenic for Hereditary cancer-predisposing syndrome. Last evaluated: 2026-04-15. Review status: criteria provided, single submitter. Criteria: Ambry Variant Classification Scheme 2023. Collection method: clinical testing. Allele origin: germline.
Comment: The c.2203_2206dupATAG pathogenic mutation, located in coding exon 13 of the ATM gene, results from a duplication of ATAG at nucleotide position 2203, causing a translational frameshift with a predicted alternate stop codon (p.A736Dfs*3). This variant is considered to be rare based on population cohorts in the Genome Aggregation Database (gnomAD). This alteration is expected to result in loss of function by premature protein truncation or nonsense-mediated mRNA decay. As such, this alteration is interpreted as a disease-causing mutation.